The following is an entry in ClinVar:

NM_001035.3(RYR2):c.1171-11C>T

Gene: RYR2 (ryanodine receptor 2; plus strand). Cytogenetic location: 1q43.
Variant type: single nucleotide variant.
Coding change: c.1171-11C>T on transcript NM_001035.3 (MANE Select); 11 bases into the intron before coding-DNA position 1171, C replaced by T.
Molecular consequence: intron variant.
Genome position (GRCh38, 1-based): chr1:237,445,390, C>T. VCF-style: chr1-237445390-C-T. GRCh37 (hg19) VCF-style: chr1-237608690-C-T.
Identifiers: ClinVar variation 928312 (VCV000928312.12), dbSNP rs200226512, ClinGen allele CA085031.

ClinVar aggregate classification (germline): Likely benign. Review status: criteria provided, multiple submitters, no conflicts (2 of 4 stars). 3 submissions from 3 submitters: Likely benign (3). Last evaluated 2025-12-08.

Conditions:
Catecholaminergic polymorphic ventricular tachycardia 1. Also called: VENTRICULAR TACHYCARDIA, CATECHOLAMINERGIC POLYMORPHIC, 1, WITH OR WITHOUT ATRIAL DYSFUNCTION AND/OR DILATED CARDIOMYOPATHY; VENTRICULAR TACHYCARDIA, STRESS-INDUCED POLYMORPHIC 1; RYR2-Related Catecholaminergic Polymorphic Ventricular Tachycardia. Identifiers: Orphanet 3286, MedGen C1631597, MONDO:0011484, OMIM 604772.
Catecholaminergic polymorphic ventricular tachycardia (CVPT). Also called: Catecholamine-induced polymorphic ventricular tachycardia. Identifiers: Orphanet 3286, MedGen C5574922, MONDO:0017990.
Cardiomyopathy (CMYO). Also called: Cardiomyopathies. Identifiers: Orphanet 167848, MedGen C0878544, MONDO:0004994, HP:0001638. Inheritance: Various modes of inheritance.

Allele frequency attached by ClinVar (database versions not stated): gnomAD exomes 0.00001 and 0.00002; ExAC 0.00003.
gnomAD v4.1: 18 of 1,611,530 alleles (0.0011%); highest among the groups gnomAD compares: Non-Finnish European, 0.00085%; no homozygotes.

Submissions (3):

Labcorp Genetics (formerly Invitae), Labcorp
Classification: Likely benign for Catecholaminergic polymorphic ventricular tachycardia 1. Last evaluated: 2025-12-08. Review status: criteria provided, single submitter. Criteria: Invitae Variant Classification Sherloc (09022015). Collection method: clinical testing. Allele origin: germline.

All of Us Research Program, National Institutes of Health
Classification: Likely benign for Catecholaminergic polymorphic ventricular tachycardia. Last evaluated: 2023-12-18. Review status: criteria provided, single submitter. Criteria: ACMG Guidelines, 2015. Collection method: clinical testing. Allele origin: germline. Inheritance: Autosomal dominant inheritance. Observed: 7 variant alleles, 7 heterozygotes.
Comment: This study involves interpretation of variants in research participants for the purpose of population health screening. Participant phenotype was not available at the time of variant classification. Additional details can be found in publication PMID: 35346344, PMCID: PMC8962531

Color Diagnostics, LLC DBA Color Health
Classification: Likely benign for Cardiomyopathy. Last evaluated: 2018-12-03. Review status: criteria provided, single submitter. Criteria: ACMG Guidelines, 2015. Collection method: clinical testing. Allele origin: germline.